The following is an entry in ClinVar:

ClinVar aggregate classification (germline): Pathogenic (1 of 4 stars; one submission).

Conditions:
Primary ciliary dyskinesia. Also called: Ciliary dyskinesia. Identifiers: Orphanet 244, MedGen C0008780, MONDO:0016575, HP:0012265.

gnomAD v4.1: 1 of 1,612,072 alleles (0.000062%); highest among the groups gnomAD compares: Non-Finnish European, 0.000085%; no homozygotes.

Submission:

Labcorp Genetics (formerly Invitae), Labcorp
Classification: Pathogenic for Primary ciliary dyskinesia. Last evaluated: 2026-01-19. Review status: criteria provided, single submitter. Criteria: Invitae Variant Classification Sherloc (09022015). Collection method: clinical testing. Allele origin: germline.
Comment: This sequence change creates a premature translational stop signal (p.Gln2422*) in the DNAH11 gene. It is expected to result in an absent or disrupted protein product. Loss-of-function variants in DNAH11 are known to be pathogenic (PMID: 18022865, 20513915, 22184204). This variant is not present in population databases (gnomAD no frequency). This variant has not been reported in the literature in individuals affected with DNAH11-related conditions. ClinVar contains an entry for this variant (Variation ID: 2793121). For these reasons, this variant has been classified as Pathogenic.

Literature cited by the submitters: PubMed 18022865; PubMed 20513915; PubMed 22184204.

NM_001277115.2(DNAH11):c.7264C>T (p.Gln2422Ter)

Gene: DNAH11 (dynein axonemal heavy chain 11; plus strand). Cytogenetic location: 7p15.3.
Variant type: single nucleotide variant.
Coding change: c.7264C>T on transcript NM_001277115.2 (MANE Select); coding-DNA position 7264, C replaced by T.
Protein change: p.Gln2422Ter; replaces glutamine 2422 with a stop codon.
Molecular consequence: nonsense.
Genome position (GRCh38, 1-based): chr7:21,720,854, C>T. VCF-style: chr7-21720854-C-T. GRCh37 (hg19) VCF-style: chr7-21760472-C-T.
Other names: c.7285C>T, p.Gln2429Ter (NM_003777.3); short protein forms Q2429*, Q2422*.
Identifiers: ClinVar variation 2793121 (VCV002793121.3), dbSNP rs2535018649, ClinGen allele CA366944345.